The following is an entry in ClinVar:

NM_015346.4(ZFYVE26):c.5032C>T (p.Pro1678Ser)

Gene: ZFYVE26 (zinc finger FYVE-type containing 26; minus strand). Cytogenetic location: 14q24.1.
Variant type: single nucleotide variant.
Coding change: c.5032C>T on transcript NM_015346.4 (MANE Select); coding-DNA position 5032, C replaced by T.
Protein change: p.Pro1678Ser; replaces proline 1678 with serine.
Molecular consequence: missense variant.
Genome position (GRCh38, 1-based): chr14:67,776,049, G>A on the plus strand (C>T on the coding strand, the complement: ZFYVE26 is on the minus strand). VCF-style: chr14-67776049-G-A. GRCh37 (hg19) VCF-style: chr14-68242766-G-A.
Other names: c.5032C>T (NM_015346.3); short protein forms P1678S.
Identifiers: ClinVar variation 3628548 (VCV003628548.2).

ClinVar aggregate classification (germline): Uncertain significance. Review status: criteria provided, multiple submitters, no conflicts (2 of 4 stars). 2 submissions from 2 submitters: Uncertain significance (2). Last evaluated 2025-02-08.

Conditions:
Spastic paraplegia. Identifiers: MedGen C0037772, HP:0001258.
Inborn genetic diseases. Identifiers: MedGen C0950123, MeSH D030342.

gnomAD v4.1: 16 of 1,614,246 alleles (0.00099%); highest among the groups gnomAD compares: South Asian, 0.016%; no homozygotes.

Submissions (2):

Ambry Genetics
Classification: Uncertain significance for Inborn genetic diseases. Last evaluated: 2025-02-08. Review status: criteria provided, single submitter. Criteria: Ambry Variant Classification Scheme 2023. Collection method: clinical testing. Allele origin: germline.

Labcorp Genetics (formerly Invitae), Labcorp
Classification: Uncertain significance for Spastic paraplegia. Last evaluated: 2024-11-21. Review status: criteria provided, single submitter. Criteria: Invitae Variant Classification Sherloc (09022015). Collection method: clinical testing. Allele origin: germline.
Comment: This sequence change replaces proline, which is neutral and non-polar, with serine, which is neutral and polar, at codon 1678 of the ZFYVE26 protein (p.Pro1678Ser). This variant is present in population databases (rs763479529, gnomAD 0.02%). This variant has not been reported in the literature in individuals affected with ZFYVE26-related conditions. An algorithm developed to predict the effect of missense changes on protein structure and function (PolyPhen-2) suggests that this variant is likely to be disruptive. In summary, the available evidence is currently insufficient to determine the role of this variant in disease. Therefore, it has been classified as a Variant of Uncertain Significance.